The following is an entry in ClinVar:

ClinVar aggregate classification (germline): Likely benign (0 of 4 stars; one submission).

Conditions:
SPNS2-related disorder. Also called: SPNS2-related condition.

Allele frequency attached by ClinVar (database versions not stated): ESP Exome Variant Server 0.00126; 1000 Genomes Project 0.00200.
gnomAD v4.1: 537 of 1,614,142 alleles (0.033%); highest among the groups gnomAD compares: African/African-American, 0.58%; 3 homozygotes.

Submission:

PreventionGenetics, part of Exact Sciences
Classification: Likely benign for SPNS2-related condition. Last evaluated: 2020-01-02. Review status: no assertion criteria provided. Collection method: clinical testing. Allele origin: germline.
Comment: This variant is classified as likely benign based on ACMG/AMP sequence variant interpretation guidelines (Richards et al. 2015 PMID: 25741868, with internal and published modifications).

NM_001124758.3(SPNS2):c.867C>A (p.Ala289=)

Gene: SPNS2 (SPNS lysolipid transporter 2, sphingosine-1-phosphate; plus strand). Cytogenetic location: 17p13.2.
Variant type: single nucleotide variant.
Coding change: c.867C>A on transcript NM_001124758.3 (MANE Select); coding-DNA position 867, C replaced by A.
Protein change: p.Ala289=; no amino-acid change (alanine 289 retained).
Molecular consequence: synonymous variant.
Genome position (GRCh38, 1-based): chr17:4,532,616, C>A. VCF-style: chr17-4532616-C-A. GRCh37 (hg19) VCF-style: chr17-4435911-C-A.
Identifiers: ClinVar variation 3040279 (VCV003040279.2), dbSNP rs142224404, ClinGen allele CA8303031.